The following is an entry in ClinVar:

ClinVar aggregate classification (germline): Conflicting classifications of pathogenicity. Review status: criteria provided, conflicting classifications (1 of 4 stars). 7 submissions from 7 submitters: Pathogenic (1); Likely pathogenic (4); Uncertain significance (2). Last evaluated 2026-07-21.

Conditions:
Noonan syndrome (NS). Also called: Noonan's syndrome. Identifiers: Orphanet 648, MedGen C0028326, MeSH D009634, MONDO:0018997. Disease mechanism: gain of function.
LZTR1-related schwannomatosis. Also called: Schwannomatosis-2, susceptibility to; Schwannomatosis 2. Identifiers: Orphanet 93921, MedGen C3810283, MONDO:0014299, OMIM 615670.
Noonan syndrome 2 (NS2). Identifiers: Orphanet 648, MedGen C1854469, MONDO:0011531, OMIM 605275.
Noonan syndrome 10 (NS10). Identifiers: Orphanet 648, MedGen C4225280, MONDO:0014693, OMIM 616564.
Hereditary cancer-predisposing syndrome. Also called: Neoplastic Syndromes, Hereditary; Hereditary Cancer Syndrome; Tumor predisposition; Hereditary neoplastic syndrome. Identifiers: Orphanet 140162, MedGen C0027672, MeSH D009386, MONDO:0015356.
Cardiovascular phenotype. Identifiers: MedGen CN230736.

Allele frequency attached by ClinVar (database versions not stated): gnomAD 0.00001; TOPMed 0.00003.
gnomAD v4.1: 44 of 1,493,790 alleles (0.0029%); highest among the groups gnomAD compares: Admixed American, 0.0042%; no homozygotes.

Submissions (7):

GeneDx
Classification: Likely pathogenic. Last evaluated: 2026-07-21. Review status: criteria provided, single submitter. Criteria: GeneDx Variant Classification Process June 2021. Collection method: clinical testing. Allele origin: germline.
Comment: Published functional studies demonstrate an approximately 20% reduction in activity compared to the wildtype. Additionally, models suggest that the variant creates a new ATG start site upstream of the endogenous start site but this was not tested functionally (PMID: 30859559); Not observed at significant frequency in large population cohorts (gnomAD); Located in a regulatory region; in the absence of functional studies, the actual effect of this sequence change is unknown; This variant is associated with the following publications: (PMID: 30859559, 36651276)

Ambry Genetics
Classification: Uncertain significance for Cardiovascular phenotype; Hereditary cancer-predisposing syndrome. Last evaluated: 2025-01-07. Review status: criteria provided, single submitter. Criteria: Ambry Variant Classification Scheme 2023. Collection method: clinical testing. Allele origin: germline.
Comment: The c.-38T>A variant is located in the 5' untranslated region (5&rsquo; UTR) of the LZTR1 gene. This variant results from a T to A substitution 38 bases upstream from the first translated codon and introduces a possible alternative, out-of-frame initiation codon. This alteration has been detected in trans with LZTR1 c.1311G>A p.W437* in two siblings with suspected autosomal recessive Noonan Syndrome; an unaffected sibling did not carry both variants (Pagnamenta AT et al. Clin. Genet., 2019 Jun;95:693-703). An in vitro functional assay indicated that this variant results in a partial reduction in protein expression; however, the clinical relevance of the observed level of reduction is unclear (Pagnamenta AT et al. Clin. Genet., 2019 Jun;95:693-703). This nucleotide position is not well conserved in available vertebrate species. Since supporting evidence is limited at this time, the clinical significance of this alteration remains unclear.

Baylor Genetics
Classification: Uncertain significance for LZTR1-related schwannomatosis. Last evaluated: 2023-07-23. Review status: criteria provided, single submitter. Criteria: ACMG Guidelines, 2015. Collection method: clinical testing. Allele origin: unknown.

Fulgent Genetics
Classification: Likely pathogenic for Noonan syndrome 2; LZTR1-related schwannomatosis; Noonan syndrome 10. Last evaluated: 2022-02-02. Review status: criteria provided, single submitter. Criteria: ACMG Guidelines, 2015. Collection method: clinical testing. Allele origin: unknown.

Laboratorio de Genetica e Diagnostico Molecular, Hospital Israelita Albert Einstein
Classification: Likely pathogenic for Noonan syndrome 2; Noonan syndrome 10. Last evaluated: 2021-04-07. Review status: criteria provided, single submitter. Criteria: ACMG Guidelines, 2015. Collection method: clinical testing. Allele origin: germline. Affected: yes.
Comment: ACMG classification criteria: PS4 supporting, PM2, PM3 strong

Clinical and Biomedical Sciences, University of Exeter
Classification: Pathogenic for Noonan syndrome 2. Last evaluated: 2019-01-30. Review status: criteria provided, single submitter. Criteria: ACMG Guidelines, 2015. Collection method: research. Allele origin: paternal. Inheritance: Autosomal recessive inheritance. Affected: yes. Observed: 1 variant allele.
Comment: As well as lying in trans with a pathogenic allele and co-segregating with disease in the pedigree, the effect of the 5â€™-UTR variant c.-38T>A on the expression of LZTR1 was further investigated using a dual luciferase reporter assay, as previously described (Calvo et al 2009 PMID: 19372376). The ratio of renilla to firefly luciferase was consistently reduced to 77-85% for the mutant 5â€™-UTR in comparison to the WT.

Department of Pathology and Laboratory Medicine, Sinai Health System
Classification: Likely pathogenic for Noonan syndrome. Review status: criteria provided, single submitter. Criteria: ACMG Guidelines, 2015. Collection method: clinical testing. Allele origin: germline.

Literature cited by the submitters: PubMed 30859559 (cited by Ambry Genetics).

NM_006767.4(LZTR1):c.-38T>A

Gene: LZTR1 (leucine zipper like post translational regulator 1; plus strand). Cytogenetic location: 22q11.21.
Variant type: single nucleotide variant.
Coding change: c.-38T>A on transcript NM_006767.4 (MANE Select); 38 bases upstream of the start codon, T replaced by A.
Molecular consequence: 5 prime UTR variant.
Genome position (GRCh38, 1-based): chr22:20,982,334, T>A. VCF-style: chr22-20982334-T-A. GRCh37 (hg19) VCF-style: chr22-21336623-T-A.
Identifiers: ClinVar variation 549752 (VCV000549752.11), dbSNP rs1459786357, ClinGen allele CA638942431.